The following is an entry in ClinVar:

ClinVar aggregate classification (germline): Uncertain significance (1 of 4 stars; one submission).

gnomAD v4.1: 3 of 1,578,988 alleles (0.00019%); highest among the groups gnomAD compares: South Asian, 0.0011%; no homozygotes.

Submission:

Women's Health and Genetics/Laboratory Corporation of America, LabCorp
Classification: Uncertain significance. Last evaluated: 2023-07-06. Review status: criteria provided, single submitter. Criteria: LabCorp Variant Classification Summary - May 2015. Collection method: clinical testing. Allele origin: germline.
Comment: Variant summary: JARID2 c.2542-8C>A alters a nucleotide located close to a canonical splice site and therefore could affect mRNA splicing, leading to a significantly altered protein sequence. 4/4 computational tools predict no significant impact on normal splicing. However, these predictions have yet to be confirmed by functional studies. The variant allele was found at a frequency of 4e-06 in 251272 control chromosomes. The available data on variant occurrences in the general population are insufficient to allow any conclusion about variant significance. To our knowledge, no occurrence of c.2542-8C>A in individuals affected with Developmental Delay With Variable Intellectual Disability And Dysmorphic Facies and no experimental evidence demonstrating its impact on protein function have been reported. No submitters have cited clinical-significance assessments for this variant to ClinVar after 2014. Based on the evidence outlined above, the variant was classified as uncertain significance.

NM_004973.4(JARID2):c.2542-8C>A

Gene: JARID2 (jumonji and AT-rich interaction domain containing 2; plus strand). Cytogenetic location: 6p22.3.
Variant type: single nucleotide variant.
Coding change: c.2542-8C>A on transcript NM_004973.4 (MANE Select); 8 bases into the intron before coding-DNA position 2542, C replaced by A.
Molecular consequence: intron variant.
Genome position (GRCh38, 1-based): chr6:15,507,128, C>A. VCF-style: chr6-15507128-C-A. GRCh37 (hg19) VCF-style: chr6-15507359-C-A.
Other names: c.2026-8C>A (NM_001267040.1).
Identifiers: ClinVar variation 2577045 (VCV002577045.1), dbSNP rs201785620, ClinGen allele CA134824490.
Genomic context (GRCh38, chr6:15,507,128, plus strand): 5'-GGGTTGAACTGTGCTCTGTGGCTGCAGCACCTTAGGGGTGCTGACCAGCCCTTTCCTGTT[C>A]CCTGCAGCAAGAGTACTGGAGGCTAGTGGAAGAGAAGGACTGCCACGTGGCAGTGCACTG-3'